The following is an entry in ClinVar:

ClinVar aggregate classification (germline): Uncertain significance. Review status: criteria provided, multiple submitters, no conflicts (2 of 4 stars). 2 submissions from 2 submitters: Uncertain significance (2). Last evaluated 2025-10-30.

Conditions:
Inborn genetic diseases. Identifiers: MedGen C0950123, MeSH D030342.

Allele frequency attached by ClinVar (database versions not stated): ExAC 0.00005; 1000 Genomes Project 30x 0.00016; gnomAD 0.00029 and 0.00033; ESP Exome Variant Server 0.00015; TOPMed 0.00026.
gnomAD v4.1: 88 of 1,614,222 alleles (0.0055%); highest among the groups gnomAD compares: African/African-American, 0.092%; no homozygotes.

Submissions (2):

GeneDx
Classification: Uncertain significance. Last evaluated: 2025-10-30. Review status: criteria provided, single submitter. Criteria: GeneDx Variant Classification Process June 2021. Collection method: clinical testing. Allele origin: germline. Affected: yes.
Comment: In silico analysis suggests that this missense variant does not alter protein structure/function; Has not been previously published as pathogenic or benign to our knowledge

Ambry Genetics
Classification: Uncertain significance for Inborn genetic diseases. Last evaluated: 2021-08-12. Review status: criteria provided, single submitter. Criteria: Ambry Variant Classification Scheme 2023. Collection method: clinical testing. Allele origin: germline.

NM_207034.3(EDN3):c.461G>A (p.Arg154Gln)

Gene: EDN3 (endothelin 3; plus strand). Cytogenetic location: 20q13.32.
Variant type: single nucleotide variant.
Coding change: c.461G>A on transcript NM_207034.3 (MANE Select); coding-DNA position 461, G replaced by A.
Protein change: p.Arg154Gln; replaces arginine 154 with glutamine.
Molecular consequence: missense variant.
Genome position (GRCh38, 1-based): chr20:59,321,112, G>A. VCF-style: chr20-59321112-G-A. GRCh37 (hg19) VCF-style: chr20-57896167-G-A.
Other names: c.461G>A, p.Arg154Gln (NM_001302455.2, NM_001302456.2, NM_207032.3 and 1 more transcripts); short protein forms R154Q.
Identifiers: ClinVar variation 1194475 (VCV001194475.6), dbSNP rs145239588, ClinGen allele CA9930380.